The following is an entry in ClinVar:

NM_016239.4(MYO15A):c.8403del (p.Met2802fs)

Gene: MYO15A (myosin XVA; plus strand). Cytogenetic location: 17p11.2.
Variant type: Deletion.
Coding change: c.8403del on transcript NM_016239.4 (MANE Select); coding-DNA position 8403, one base deleted (G; older notation c.8403delG).
Protein change: p.Met2802fs; shifts the reading frame from methionine 2802.
Molecular consequence: frameshift variant.
Genome position (GRCh38, 1-based): chr17:18,155,376, G deleted; the last of 2 consecutive G bases (chr17:18,155,375-18,155,376); deleting either gives the same sequence. VCF-style (leftmost placement, unchanged base first): chr17-18155374-AG-A. GRCh37 (hg19) VCF-style: chr17-18058688-AG-A.
Other names: short protein forms M2802fs.
Identifiers: ClinVar variation 3601399 (VCV003601399.1).

ClinVar aggregate classification (germline): Pathogenic (1 of 4 stars; one submission).

Conditions:
Autosomal recessive nonsyndromic hearing loss 3. Also called: NEUROSENSORY NONSYNDROMIC RECESSIVE DEAFNESS 3. Identifiers: Orphanet 90636, MedGen C1838263, MONDO:0010860, OMIM 600316.

Submission:

Institute of Rare Diseases, West China Hospital, Sichuan University
Classification: Pathogenic for Autosomal recessive nonsyndromic hearing loss 3. Last evaluated: 2025-01-09. Review status: criteria provided, single submitter. Criteria: ClinGen HL ACMG Specifications v1. Collection method: research. Allele origin: germline. Affected: yes.
Comment: PVS1;PM3;PM2_Supporting